The following is an entry in ClinVar:

NM_004984.4(KIF5A):c.36+42C>A

Gene: KIF5A (kinesin family member 5A; plus strand). Cytogenetic location: 12q13.3.
Variant type: single nucleotide variant.
Coding change: c.36+42C>A on transcript NM_004984.4 (MANE Select); 42 bases into the intron after coding-DNA position 36, C replaced by A.
Molecular consequence: intron variant.
Genome position (GRCh38, 1-based): chr12:57,583,257, C>A. VCF-style: chr12-57583257-C-A. GRCh37 (hg19) VCF-style: chr12-57977040-C-A.
Other names: c.36+42C>A (NM_001354705.2).
Identifiers: ClinVar variation 682869 (VCV000682869.2), dbSNP rs775250, ClinGen allele CA13622561.

ClinVar aggregate classification (germline): Benign. Review status: criteria provided, multiple submitters, no conflicts (2 of 4 stars). 2 submissions from 2 submitters: Benign (2). Last evaluated 2018-06-14.

Allele frequency attached by ClinVar (database versions not stated): 1000 Genomes Project 0.21346; 1000 Genomes Project 30x 0.21455; TOPMed 0.24259; gnomAD 0.25466.
gnomAD v4.1: 329,733 of 1,219,774 alleles (27%); highest among the groups gnomAD compares: Non-Finnish European, 29%; 45,649 homozygotes.

Submissions (2):

GeneDx
Classification: Benign. Last evaluated: 2018-06-14. Review status: criteria provided, single submitter. Criteria: GeneDx Variant Classification (06012015). Collection method: clinical testing. Allele origin: germline. Affected: yes.
Comment: This variant is considered likely benign or benign based on one or more of the following criteria: it is a conservative change, it occurs at a poorly conserved position in the protein, it is predicted to be benign by multiple in silico algorithms, and/or has population frequency not consistent with disease.

Breakthrough Genomics
Classification: Benign. Review status: criteria provided, single submitter. Criteria: ACMG Guidelines, 2015. Collection method: not provided. Allele origin: germline. Inheritance: Autosomal dominant inheritance. Affected: yes.